The following is an entry in ClinVar:

ClinVar aggregate classification (germline): Uncertain significance. Review status: criteria provided, multiple submitters, no conflicts (2 of 4 stars). 3 submissions from 3 submitters: Uncertain significance (3). Last evaluated 2025-03-30.

Allele frequency attached by ClinVar (database versions not stated): ExAC 0.00001; gnomAD 0.00001; gnomAD exomes 0.00002; TOPMed 0.00002.
gnomAD v4.1: 38 of 1,613,936 alleles (0.0024%); highest among the groups gnomAD compares: Non-Finnish European, 0.003%; no homozygotes.

Submissions (3):

Labcorp Genetics (formerly Invitae), Labcorp
Classification: Uncertain significance. Last evaluated: 2025-03-30. Review status: criteria provided, single submitter. Criteria: Invitae Variant Classification Sherloc (09022015). Collection method: clinical testing. Allele origin: germline.
Comment: This sequence change replaces lysine, which is basic and polar, with asparagine, which is neutral and polar, at codon 138 of the SAMD9L protein (p.Lys138Asn). This variant is present in population databases (rs770539370, gnomAD 0.003%). This variant has not been reported in the literature in individuals affected with SAMD9L-related conditions. ClinVar contains an entry for this variant (Variation ID: 1337326). An algorithm developed to predict the effect of missense changes on protein structure and function (PolyPhen-2) suggests that this variant is likely to be tolerated. In summary, the available evidence is currently insufficient to determine the role of this variant in disease. Therefore, it has been classified as a Variant of Uncertain Significance.

GeneDx
Classification: Uncertain significance. Last evaluated: 2024-01-07. Review status: criteria provided, single submitter. Criteria: GeneDx Variant Classification Process June 2021. Collection method: clinical testing. Allele origin: germline. Affected: yes.
Comment: Not observed at significant frequency in large population cohorts (gnomAD); In silico analysis supports that this missense variant does not alter protein structure/function; Has not been previously published as pathogenic or benign to our knowledge

Genetic Services Laboratory, University of Chicago
Classification: Uncertain significance. Last evaluated: 2019-08-15. Review status: criteria provided, single submitter. Criteria: ACMG Guidelines, 2015. Collection method: clinical testing. Allele origin: germline. Affected: no.

NM_152703.5(SAMD9L):c.414A>T (p.Lys138Asn)

Gene: SAMD9L (sterile alpha motif domain containing 9 like; minus strand). Cytogenetic location: 7q21.2.
Variant type: single nucleotide variant.
Coding change: c.414A>T on transcript NM_152703.5 (MANE Select); coding-DNA position 414, A replaced by T.
Protein change: p.Lys138Asn; replaces lysine 138 with asparagine.
Molecular consequence: missense variant.
Genome position (GRCh38, 1-based): chr7:93,135,558, T>A on the plus strand (A>T on the coding strand, the complement: SAMD9L is on the minus strand). VCF-style: chr7-93135558-T-A. GRCh37 (hg19) VCF-style: chr7-92764871-T-A.
Other names: c.414A>T, p.Lys138Asn (NM_001303496.3, NM_001303497.3, NM_001303498.3 and 5 more transcripts); c.414A>T (NM_152703.3); short protein forms K138N.
Identifiers: ClinVar variation 1337326 (VCV001337326.9), dbSNP rs770539370, ClinGen allele CA4343871.